The following is an entry in ClinVar:

NM_001302084.2(TOP6BL):c.1071T>A (p.Leu357=)

Gene: TOP6BL (TOP6B like initiator of meiotic double strand breaks; plus strand). Cytogenetic location: 11q13.2.
Variant type: single nucleotide variant.
Coding change: c.1071T>A on transcript NM_001302084.2 (MANE Select); coding-DNA position 1071, T replaced by A.
Protein change: p.Leu357=; no amino-acid change (leucine 357 retained).
Molecular consequence: synonymous variant.
Genome position (GRCh38, 1-based): chr11:66,822,671, T>A. VCF-style: chr11-66822671-T-A. GRCh37 (hg19) VCF-style: chr11-66590142-T-A.
Other names: c.1419T>A, p.Leu473= (NM_024650.4).
Identifiers: ClinVar variation 3035368 (VCV003035368.2), dbSNP rs377394895, ClinGen allele CA6130159.
Genomic context (GRCh38, chr11:66,822,671, plus strand): 5'-CATGAGTATTCTGACTGGAAGCACTAGGAGCAGCTTCCGAAAGATGTGTCTCCAGACCCT[T>A]CAAGTTAGTAGGAGATTGGGATTGGGGATGCTTAAAAGTGCCAGGGTTTTGGCTGGGTAC-3'
Protein context (NP_001289013.1, residues 347-367): SSFRKMCLQT[Leu357=]QAADTQEFRT

ClinVar aggregate classification (germline): Likely benign (0 of 4 stars; one submission).

Conditions:
TOP6BL-related disorder. Also called: TOP6BL-related condition.

Allele frequency attached by ClinVar (database versions not stated): gnomAD exomes 0.00001; ESP Exome Variant Server 0.00017; gnomAD 0.00018; TOPMed 0.00019.
gnomAD v4.1: 45 of 1,538,990 alleles (0.0029%); highest among the groups gnomAD compares: African/African-American, 0.058%; no homozygotes.

Submission:

PreventionGenetics, part of Exact Sciences
Classification: Likely benign for TOP6BL-related condition. Last evaluated: 2019-08-01. Review status: no assertion criteria provided. Collection method: clinical testing. Allele origin: germline.
Comment: This variant is classified as likely benign based on ACMG/AMP sequence variant interpretation guidelines (Richards et al. 2015 PMID: 25741868, with internal and published modifications).